The following is an entry in ClinVar:

ClinVar aggregate classification (germline): Uncertain significance (1 of 4 stars; one submission).

Conditions:
Early-infantile DEE. Also called: Ohtahara syndrome; Early infantile epileptic encephalopathy with suppression bursts; Early infantile epileptic encephalopathy. Identifiers: Orphanet 1934, MedGen C0393706, MONDO:0800491.

Submission:

Labcorp Genetics (formerly Invitae), Labcorp
Classification: Uncertain significance for Early-infantile DEE. Last evaluated: 2024-02-15. Review status: criteria provided, single submitter. Criteria: Invitae Variant Classification Sherloc (09022015). Collection method: clinical testing. Allele origin: germline.
Comment: This sequence change replaces asparagine, which is neutral and polar, with serine, which is neutral and polar, at codon 678 of the SPTAN1 protein (p.Asn678Ser). This variant is present in population databases (no rsID available, gnomAD 0.0009%). This variant has not been reported in the literature in individuals affected with SPTAN1-related conditions. Advanced modeling of protein sequence and biophysical properties (such as structural, functional, and spatial information, amino acid conservation, physicochemical variation, residue mobility, and thermodynamic stability) has been performed at Invitae for this missense variant, however the output from this modeling did not meet the statistical confidence thresholds required to predict the impact of this variant on SPTAN1 protein function. In summary, the available evidence is currently insufficient to determine the role of this variant in disease. Therefore, it has been classified as a Variant of Uncertain Significance.

NM_001130438.3(SPTAN1):c.2033A>G (p.Asn678Ser)

Gene: SPTAN1 (spectrin alpha, non-erythrocytic 1; plus strand). Cytogenetic location: 9q34.11.
Variant type: single nucleotide variant.
Coding change: c.2033A>G on transcript NM_001130438.3 (MANE Select); coding-DNA position 2033, A replaced by G.
Protein change: p.Asn678Ser; replaces asparagine 678 with serine.
Molecular consequence: missense variant.
Genome position (GRCh38, 1-based): chr9:128,583,809, A>G. VCF-style: chr9-128583809-A-G. GRCh37 (hg19) VCF-style: chr9-131346088-A-G.
Other names: c.2033A>G, p.Asn678Ser (NM_001195532.2, NM_001363759.2, NM_001363765.2 and 5 more transcripts); c.2069A>G, p.Asn690Ser (NM_001375312.2, NM_001375318.1); short protein forms N678S, N690S.
Identifiers: ClinVar variation 3684649 (VCV003684649.2).